The following is an entry in ClinVar:

ClinVar aggregate classification (germline): Uncertain significance. Review status: criteria provided, multiple submitters, no conflicts (2 of 4 stars). 2 submissions from 2 submitters: Uncertain significance (2). Last evaluated 2024-10-08.

Conditions:
Inborn genetic diseases. Identifiers: MedGen C0950123, MeSH D030342.

Allele frequency attached by ClinVar (database versions not stated): gnomAD exomes 0.00001 and 0.00004; TOPMed 0.00002; gnomAD 0.00003; ExAC 0.00006.
gnomAD v4.1: 25 of 1,608,894 alleles (0.0016%); highest among the groups gnomAD compares: Non-Finnish European, 0.002%; no homozygotes.

Submissions (2):

Labcorp Genetics (formerly Invitae), Labcorp
Classification: Uncertain significance. Last evaluated: 2024-10-08. Review status: criteria provided, single submitter. Criteria: Invitae Variant Classification Sherloc (09022015). Collection method: clinical testing. Allele origin: germline.
Comment: This sequence change replaces lysine, which is basic and polar, with arginine, which is basic and polar, at codon 558 of the KCNC3 protein (p.Lys558Arg). This variant is present in population databases (rs200426120, gnomAD 0.008%). This variant has not been reported in the literature in individuals affected with KCNC3-related conditions. This missense change has been observed in at least one individual who was not affected with KCNC3-related conditions (internal data). ClinVar contains an entry for this variant (Variation ID: 1492683). Invitae Evidence Modeling of protein sequence and biophysical properties (such as structural, functional, and spatial information, amino acid conservation, physicochemical variation, residue mobility, and thermodynamic stability) indicates that this missense variant is expected to disrupt KCNC3 protein function with a positive predictive value of 95%. In summary, the available evidence is currently insufficient to determine the role of this variant in disease. Therefore, it has been classified as a Variant of Uncertain Significance.

Ambry Genetics
Classification: Uncertain significance for Inborn genetic diseases. Last evaluated: 2024-04-20. Review status: criteria provided, single submitter. Criteria: Ambry Variant Classification Scheme 2023. Collection method: clinical testing. Allele origin: germline.

NM_004977.3(KCNC3):c.1673A>G (p.Lys558Arg)

Gene: KCNC3 (potassium voltage-gated channel subfamily C member 3; minus strand). Cytogenetic location: 19q13.33.
Variant type: single nucleotide variant.
Coding change: c.1673A>G on transcript NM_004977.3 (MANE Select); coding-DNA position 1673, A replaced by G.
Protein change: p.Lys558Arg; replaces lysine 558 with arginine.
Molecular consequence: missense variant.
Genome position (GRCh38, 1-based): chr19:50,323,280, T>C on the plus strand (A>G on the coding strand, the complement: KCNC3 is on the minus strand). VCF-style: chr19-50323280-T-C. GRCh37 (hg19) VCF-style: chr19-50826537-T-C.
Other names: c.1445A>G, p.Lys482Arg (NM_001372305.1); c.1673A>G (NM_004977.2); short protein forms K482R, K558R.
Identifiers: ClinVar variation 1492683 (VCV001492683.7), dbSNP rs200426120, ClinGen allele CA9594199.
Genomic context (GRCh38, chr19:50,323,280, plus strand): 5'-TCAGGCTTGCAGTAGTTGGGCGAGCCCGGTTGCGGGGGCCGGGGGATGTGTTTGTTCTTC[T>C]TCTTGGGCAGCTTCTGCTTGGCCATGGCCAGCGAATAGTACATGCCAAAGTTGTTGACAA-3'
Protein context (NP_004968.2, residues 548-568): LAMAKQKLPK[Lys558Arg]KNKHIPRPPQ